The following is an entry in ClinVar:

NM_001005242.3(PKP2):c.2413G>T (p.Ala805Ser)

Gene: PKP2 (plakophilin 2; minus strand). Cytogenetic location: 12p11.21.
Variant type: single nucleotide variant.
Coding change: c.2413G>T on transcript NM_001005242.3 (MANE Select); coding-DNA position 2413, G replaced by T.
Protein change: p.Ala805Ser; replaces alanine 805 with serine.
Molecular consequence: missense variant. On other transcripts: synonymous variant (2).
Genome position (GRCh38, 1-based): chr12:32,792,676, C>A on the plus strand (G>T on the coding strand, the complement: PKP2 is on the minus strand). VCF-style: chr12-32792676-C-A. GRCh37 (hg19) VCF-style: chr12-32945610-C-A.
Other names: c.2223G>T, p.Gly741= (NM_001407155.1); c.2248G>T, p.Ala750Ser (NM_001407156.1); c.2086G>T, p.Ala696Ser (NM_001407158.1, NM_001407159.1); c.1896G>T, p.Gly632= (NM_001407160.1); c.2545G>T, p.Ala849Ser (NM_004572.4); short protein forms A849S, A696S, A750S, A805S.
Identifiers: ClinVar variation 3889644 (VCV003889644.2).

ClinVar aggregate classification (germline): Uncertain significance. Review status: criteria provided, multiple submitters, no conflicts (2 of 4 stars). 2 submissions from 2 submitters: Uncertain significance (2). Last evaluated 2026-01-16.

Conditions:
Cardiovascular phenotype. Identifiers: MedGen CN230736.
Arrhythmogenic right ventricular dysplasia 9 (ARVD9). Also called: Arrhythmogenic Right Ventricular Dysplasia/Cardiomyopathy 9; ARRHYTHMOGENIC RIGHT VENTRICULAR DYSPLASIA, FAMILIAL, 9. Identifiers: MedGen C1836906, MONDO:0012180, OMIM 609040.

gnomAD v4.1: 1 of 1,613,812 alleles (0.000062%); highest among the groups gnomAD compares: African/African-American, 0.0013%; no homozygotes.

Submissions (2):

Labcorp Genetics (formerly Invitae), Labcorp
Classification: Uncertain significance for Arrhythmogenic right ventricular dysplasia 9. Last evaluated: 2026-01-16. Review status: criteria provided, single submitter. Criteria: Invitae Variant Classification Sherloc (09022015). Collection method: clinical testing. Allele origin: germline.
Comment: This sequence change replaces alanine, which is neutral and non-polar, with serine, which is neutral and polar, at codon 849 of the PKP2 protein (p.Ala849Ser). This variant is not present in population databases (gnomAD no frequency). This variant has not been reported in the literature in individuals affected with PKP2-related conditions. ClinVar contains an entry for this variant (Variation ID: 3889644). An algorithm developed to predict the effect of missense changes on protein structure and function outputs the following: PolyPhen-2: "Benign". The serine amino acid residue is found in multiple mammalian species, which suggests that this missense change does not adversely affect protein function. In summary, the available evidence is currently insufficient to determine the role of this variant in disease. Therefore, it has been classified as a Variant of Uncertain Significance.

Ambry Genetics
Classification: Uncertain significance for Cardiovascular phenotype. Last evaluated: 2024-12-29. Review status: criteria provided, single submitter. Criteria: Ambry Variant Classification Scheme 2023. Collection method: clinical testing. Allele origin: germline.
Comment: The p.A849S variant (also known as c.2545G>T), located in coding exon 13 of the PKP2 gene, results from a G to T substitution at nucleotide position 2545. The alanine at codon 849 is replaced by serine, an amino acid with similar properties. This amino acid position is conserved. In addition, this alteration is predicted to be tolerated by in silico analysis. Based on the available evidence, the clinical significance of this variant remains unclear.